The following is an entry in ClinVar:

ClinVar aggregate classification (germline): Likely pathogenic (1 of 4 stars; one submission).

Conditions:
Autosomal recessive limb-girdle muscular dystrophy type 2B (LGMDR2). Also called: MUSCULAR DYSTROPHY, LIMB-GIRDLE, TYPE 3; MUSCULAR DYSTROPHY, LIMB-GIRDLE, AUTOSOMAL RECESSIVE 2; Limb-Girdle Muscular Dystrophy Type 2B (LGMD2B); Limb-girdle muscular dystrophy, type 2B. Identifiers: Orphanet 268, MedGen C1850889, MONDO:0009676, OMIM 253601.

Submission:

Natera, Inc.
Classification: Likely pathogenic for Limb-girdle muscular dystrophy type 2B. Last evaluated: 2025-11-11. Review status: criteria provided, single submitter. Criteria: Natera Variant Classification Schema (03/2026). Collection method: clinical testing. Allele origin: germline.
Comment: The c.4756_4765delinsTGA variant in DYSF is a frameshift variant predicted to shift the reading frame and introduce a stop codon. This variant is expected to result in nonsense mediated decay, truncation, or a dysfunctional protein product. This variant is rare in the general population with a frequency below the threshold expected for the associated phenotype(s). Given the available evidence, this variant is classified as Likely Pathogenic.

NM_001130987.2(DYSF):c.4873_4882delinsTGA (p.Arg1625_Gly1628delinsTer)

Gene: DYSF (dysferlin; plus strand). Cytogenetic location: 2p13.2.
Variant type: Indel.
Coding change: c.4873_4882delinsTGA on transcript NM_001130987.2 (MANE Select); coding-DNA positions 4873 to 4882, CGAGCATTTG replaced by TGA.
Protein change: p.Arg1625_Gly1628delinsTer.
Molecular consequence: nonsense.
Genome position (GRCh38, 1-based): chr2:71,658,995-71,659,004, CGAGCATTTG replaced by TGA. VCF-style: chr2-71658995-CGAGCATTTG-TGA. GRCh37 (hg19) VCF-style: chr2-71886125-CGAGCATTTG-TGA.
Other names: c.4759_4768delinsTGA, p.Arg1587_Gly1590delinsTer (NM_001130455.2); c.4714_4723delinsTGA, p.Arg1572_Gly1575delinsTer (NM_001130976.2); c.4777_4786delinsTGA, p.Arg1593_Gly1596delinsTer (NM_001130977.2); c.4819_4828delinsTGA, p.Arg1607_Gly1610delinsTer (NM_001130978.2); c.4849_4858delinsTGA, p.Arg1617_Gly1620delinsTer (NM_001130979.2); c.4807_4816delinsTGA, p.Arg1603_Gly1606delinsTer (NM_001130980.2); c.4870_4879delinsTGA, p.Arg1624_Gly1627delinsTer (NM_001130981.2); c.4852_4861delinsTGA, p.Arg1618_Gly1621delinsTer (NM_001130982.2); and 5 more.
Identifiers: ClinVar variation 4815148 (VCV004815148.1).